The following is an entry in ClinVar:

ClinVar aggregate classification (germline): Uncertain significance (1 of 4 stars; one submission).

Allele frequency attached by ClinVar (database versions not stated): gnomAD 0.00001; gnomAD exomes 0.00002 and 0.00004; TOPMed 0.00002; ExAC 0.00008.
gnomAD v4.1: 33 of 1,543,466 alleles (0.0021%); highest among the groups gnomAD compares: Non-Finnish European, 0.000087%; no homozygotes.

Submission:

Labcorp Genetics (formerly Invitae), Labcorp
Classification: Uncertain significance. Last evaluated: 2024-06-03. Review status: criteria provided, single submitter. Criteria: Invitae Variant Classification Sherloc (09022015). Collection method: clinical testing. Allele origin: germline.
Comment: This sequence change replaces glutamine, which is neutral and polar, with arginine, which is basic and polar, at codon 340 of the WNT3A protein (p.Gln340Arg). This variant is present in population databases (rs761489951, gnomAD 0.1%), and has an allele count higher than expected for a pathogenic variant. This variant has not been reported in the literature in individuals affected with WNT3A-related conditions. ClinVar contains an entry for this variant (Variation ID: 1508167). Advanced modeling of protein sequence and biophysical properties (such as structural, functional, and spatial information, amino acid conservation, physicochemical variation, residue mobility, and thermodynamic stability) performed at Invitae indicates that this missense variant is not expected to disrupt WNT3A protein function with a negative predictive value of 80%. In summary, the available evidence is currently insufficient to determine the role of this variant in disease. Therefore, it has been classified as a Variant of Uncertain Significance.

NM_033131.4(WNT3A):c.1019A>G (p.Gln340Arg)

Gene: WNT3A (Wnt family member 3A; plus strand). Cytogenetic location: 1q42.13.
Variant type: single nucleotide variant.
Coding change: c.1019A>G on transcript NM_033131.4 (MANE Select); coding-DNA position 1019, A replaced by G.
Protein change: p.Gln340Arg; replaces glutamine 340 with arginine.
Molecular consequence: missense variant.
Genome position (GRCh38, 1-based): chr1:228,059,425, A>G. VCF-style: chr1-228059425-A-G. GRCh37 (hg19) VCF-style: chr1-228247126-A-G.
Other names: short protein forms Q340R.
Identifiers: ClinVar variation 1508167 (VCV001508167.8), dbSNP rs761489951, ClinGen allele CA1429572.
Genomic context (GRCh38, chr1:228,059,425, plus strand): 5'-CGGAGCGGCGCCGGGAGAAGTGCCGCTGCGTGTTCCACTGGTGCTGCTACGTCAGCTGCC[A>G]GGAGTGCACGCGCGTCTACGACGTGCACACCTGCAAGTAGGCACCGGCCGCGGCTCCCCC-3'
Protein context (NP_149122.1, residues 330-350): VFHWCCYVSC[Gln340Arg]ECTRVYDVHT